The following is an entry in ClinVar:

NM_003036.4(SKI):c.1834C>T (p.Leu612=)

Gene: SKI (SKI proto-oncogene; plus strand). Cytogenetic location: 1p36.32.
Variant type: single nucleotide variant.
Coding change: c.1834C>T on transcript NM_003036.4 (MANE Select); coding-DNA position 1834, C replaced by T.
Protein change: p.Leu612=; no amino-acid change (leucine 612 retained).
Molecular consequence: synonymous variant.
Genome position (GRCh38, 1-based): chr1:2,306,086, C>T. VCF-style: chr1-2306086-C-T. GRCh37 (hg19) VCF-style: chr1-2237525-C-T.
Other names: p.L612L:CTG>TTG; p.Leu612=.
Identifiers: ClinVar variation 139116 (VCV000139116.77), dbSNP rs35833638, ClinGen allele CA303044.
Genomic context (GRCh38, chr1:2,306,086, plus strand): 5'-GAGTTCCTACGCGTGGCCAAGAAGGAGAAGCTGCGGGAGGCCACGGAGGCCAAGCGTAAC[C>T]TGCGGAAGGAGATCGAGCGTCTCCGCGCCGAGAACGAGAAGAAGATGAAAGAGGCCAACG-3'
Protein context (NP_003027.1, residues 602-622): LREATEAKRN[Leu612=]RKEIERLRAE

ClinVar aggregate classification (germline): Benign/Likely benign. Review status: criteria provided, multiple submitters, no conflicts (2 of 4 stars). 15 submissions from 15 submitters: Benign (9); Likely benign (4). 2 of the submissions do not count toward it. Last evaluated 2026-09-01.

Conditions:
Familial thoracic aortic aneurysm and aortic dissection (TAAD). Also called: Thoracic aortic aneurysms and dissections. Identifiers: Orphanet 91387, MedGen C4707243, MONDO:0019625.
Shprintzen-Goldberg syndrome (SGS). Also called: CRANIOSYNOSTOSIS WITH ARACHNODACTYLY AND ABDOMINAL HERNIAS; SHPRINTZEN-GOLDBERG CRANIOSYNOSTOSIS SYNDROME; Marfanoid disorder with craniosynostosis type 1; Marfanoid craniosynostosis syndrome; Shprintzen-Goldberg marfanoid syndrome. Identifiers: Orphanet 2462, MedGen C1321551, MONDO:0008426, OMIM 182212.

Allele frequency attached by ClinVar (database versions not stated): 1000 Genomes Project 30x 0.00156; 1000 Genomes Project 0.00200; gnomAD exomes 0.00354 and 0.00596; TOPMed 0.00396; gnomAD 0.00406 and 0.00418; ESP Exome Variant Server 0.00447; ExAC 0.00636.
gnomAD v4.1: 9,212 of 1,602,498 alleles (0.57%); highest among the groups gnomAD compares: Non-Finnish European, 0.7%; 42 homozygotes.

Submissions (15):

CeGaT Center for Human Genetics Tuebingen
Classification: Likely benign. Last evaluated: 2026-09-01. Review status: criteria provided, single submitter. Criteria: CeGaT Center For Human Genetics Tuebingen Variant Classification Criteria Version 2. Collection method: clinical testing. Allele origin: germline. Affected: yes. Observed: 44 variant alleles.
Comment: SKI: BP4, BP7, BS2

Labcorp Genetics (formerly Invitae), Labcorp
Classification: Benign for Shprintzen-Goldberg syndrome. Last evaluated: 2026-02-02. Review status: criteria provided, single submitter. Criteria: Invitae Variant Classification Sherloc (09022015). Collection method: clinical testing. Allele origin: germline.

Molecular Diagnostic Laboratory for Inherited Cardiovascular Disease, Montreal Heart Institute
Classification: Benign. Last evaluated: 2025-07-24. Review status: criteria provided, single submitter. Criteria: ACMG Guidelines, 2015. Collection method: clinical testing. Allele origin: germline. Affected: no.
Comment: BS1, BP7

ARUP Laboratories, Molecular Genetics and Genomics, ARUP Laboratories
Classification: Benign for Shprintzen-Goldberg syndrome. Last evaluated: 2025-05-26. Review status: criteria provided, single submitter. Criteria: ARUP Molecular Germline Variant Investigation Process 2024. Collection method: clinical testing. Allele origin: germline.

Mayo Clinic Laboratories, Mayo Clinic
Classification: Benign. Last evaluated: 2024-12-30. Review status: criteria provided, single submitter. Criteria: ACMG Guidelines, 2015. Collection method: clinical testing. Allele origin: germline. Observed: 22 variant alleles.
Comment: BS1, BS2, BP4, BP7

Blueprint Genetics
Classification: Likely benign. Last evaluated: 2024-11-26. Review status: criteria provided, single submitter. Criteria: ACMG Guidelines, 2015. Collection method: clinical testing. Allele origin: germline.

Women's Health and Genetics/Laboratory Corporation of America, LabCorp
Classification: Benign. Last evaluated: 2023-07-21. Review status: criteria provided, single submitter. Criteria: LabCorp Variant Classification Summary - May 2015. Collection method: clinical testing. Allele origin: germline.

Eurofins Ntd Llc (ga)
Classification: Benign. Last evaluated: 2015-06-08. Review status: criteria provided, single submitter. Criteria: EGL Classification Definitions 2015. Collection method: clinical testing. Allele origin: germline. Observed: 1 variant allele, 1 heterozygote.

Ambry Genetics
Classification: Likely benign for Familial thoracic aortic aneurysm and aortic dissection. Last evaluated: 2015-03-04. Review status: criteria provided, single submitter. Criteria: Ambry Variant Classification Scheme 2023. Collection method: clinical testing. Allele origin: germline.

Laboratory for Molecular Medicine, Mass General Brigham Personalized Medicine
Classification: Benign. Last evaluated: 2014-11-24. Review status: criteria provided, single submitter. Criteria: LMM Criteria. Collection method: clinical testing. Allele origin: germline. Observed: 1 variant allele.
Comment: Leu612Leu in exon 6 of SKI: This variant is not expected to have clinical signif icance because it does not alter an amino acid residue and is not located within the splice consensus sequence. It has been identified in 0.6% (54/8578) of Euro pean American chromosomes from a broad population by the NHLBI Exome Sequencing Project (dbSNP rs35833638).

GeneDx
Classification: Benign. Last evaluated: 2014-05-29. Review status: criteria provided, single submitter. Criteria: GeneDx Variant Classification (06012015). Collection method: clinical testing. Allele origin: germline. Affected: yes.
Comment: This variant is considered likely benign or benign based on one or more of the following criteria: it is a conservative change, it occurs at a poorly conserved position in the protein, it is predicted to be benign by multiple in silico algorithms, and/or has population frequency not consistent with disease.

Breakthrough Genomics
Classification: Likely benign. Review status: criteria provided, single submitter. Criteria: ACMG Guidelines, 2015. Collection method: not provided. Allele origin: germline. Inheritance: Autosomal dominant inheritance. Affected: yes.

PreventionGenetics, part of Exact Sciences
Classification: Benign. Review status: criteria provided, single submitter. Criteria: ACMG Guidelines, 2015. Collection method: clinical testing. Allele origin: germline.

Clinical Genetics DNA and cytogenetics Diagnostics Lab, Erasmus MC, Erasmus Medical Center
Classification: Likely benign. Review status: no assertion criteria provided. Collection method: clinical testing. Allele origin: germline. Affected: yes. Study: VKGL Data-share Consensus. Not counted in ClinVar's aggregate classification.

Genome Diagnostics Laboratory, Amsterdam University Medical Center
Classification: Benign. Review status: no assertion criteria provided. Collection method: clinical testing. Allele origin: germline. Affected: yes. Study: VKGL Data-share Consensus. Not counted in ClinVar's aggregate classification.